The following is an entry in ClinVar:

NM_000256.3(MYBPC3):c.1039G>C (p.Gly347Arg)

Gene: MYBPC3 (myosin binding protein C3; minus strand). Cytogenetic location: 11p11.2.
Variant type: single nucleotide variant.
Coding change: c.1039G>C on transcript NM_000256.3 (MANE Select); coding-DNA position 1039, G replaced by C.
Protein change: p.Gly347Arg; replaces glycine 347 with arginine.
Molecular consequence: missense variant.
Genome position (GRCh38, 1-based): chr11:47,346,258, C>G on the plus strand (G>C on the coding strand, the complement: MYBPC3 is on the minus strand). VCF-style: chr11-47346258-C-G. GRCh37 (hg19) VCF-style: chr11-47367809-C-G.
Other names: short protein forms G347R.
Identifiers: ClinVar variation 952037 (VCV000952037.9), dbSNP rs397515884, ClinGen allele CA380331238.

ClinVar aggregate classification (germline): Uncertain significance (1 of 4 stars; one submission).

Conditions:
Hypertrophic cardiomyopathy. Also called: HYPERTROPHIC MYOCARDIOPATHY. Identifiers: Orphanet 217569, MedGen C0007194, MeSH D002312, MONDO:0005045, HP:0001639.

Submission:

Labcorp Genetics (formerly Invitae), Labcorp
Classification: Uncertain significance for Hypertrophic cardiomyopathy. Last evaluated: 2019-05-08. Review status: criteria provided, single submitter. Criteria: Invitae Variant Classification Sherloc (09022015). Collection method: clinical testing. Allele origin: germline.
Comment: Algorithms developed to predict the effect of missense changes on protein structure and function (SIFT, PolyPhen-2, Align-GVGD) all suggest that this variant is likely to be tolerated, but these predictions have not been confirmed by published functional studies and their clinical significance is uncertain. This sequence change replaces glycine with arginine at codon 347 of the MYBPC3 protein (p.Gly347Arg). The glycine residue is highly conserved and there is a moderate physicochemical difference between glycine and arginine. This variant is not present in population databases (ExAC no frequency). This variant has not been reported in the literature in individuals with MYBPC3-related conditions. In summary, the available evidence is currently insufficient to determine the role of this variant in disease. Therefore, it has been classified as a Variant of Uncertain Significance.